The following is an entry in ClinVar:

ClinVar aggregate classification (germline): Uncertain significance (1 of 4 stars; one submission).

Conditions:
Neuropathy, hereditary sensory and autonomic, type 2A (HSAN2A). Also called: ACROOSTEOLYSIS, GIACCAI TYPE; ACROOSTEOLYSIS, NEUROGENIC; MORVAN DISEASE; NEUROPATHY, CONGENITAL SENSORY; NEUROPATHY, HEREDITARY SENSORY RADICULAR, AUTOSOMAL RECESSIVE; NEUROPATHY, HEREDITARY SENSORY, TYPE IIA. Identifiers: Orphanet 970, MedGen C2752089, MONDO:0024309, OMIM 201300.
Generalized epilepsy with febrile seizures plus, type 7 (GEFSP7). Also called: GEFS+, TYPE 7. Identifiers: Orphanet 36387, MedGen C2751778, MONDO:0013470, OMIM 613863.

Submission:

Labcorp Genetics (formerly Invitae), Labcorp
Classification: Uncertain significance for Neuropathy, hereditary sensory and autonomic, type 2A; Generalized epilepsy with febrile seizures plus, type 7. Last evaluated: 2020-03-06. Review status: criteria provided, single submitter. Criteria: Invitae Variant Classification Sherloc (09022015). Collection method: clinical testing. Allele origin: germline.
Comment: This sequence change replaces alanine with valine at codon 1002 of the SCN9A protein (p.Ala1002Val). The alanine residue is weakly conserved and there is a small physicochemical difference between alanine and valine. This variant is not present in population databases (ExAC no frequency). This variant has not been reported in the literature in individuals with SCN9A-related disease. Algorithms developed to predict the effect of missense changes on protein structure and function (SIFT, PolyPhen-2, Align-GVGD) all suggest that this variant is likely to be tolerated, but these predictions have not been confirmed by published functional studies and their clinical significance is uncertain. Algorithms developed to predict the effect of sequence changes on RNA splicing suggest that this variant may create or strengthen a splice site, but this prediction has not been confirmed by published transcriptional studies. In summary, the available evidence is currently insufficient to determine the role of this variant in disease. Therefore, it has been classified as a Variant of Uncertain Significance.

NM_001365536.1(SCN9A):c.3038C>T (p.Ala1013Val)

Genes: SCN9A (sodium voltage-gated channel alpha subunit 9; minus strand), SCN1A-AS1 (SCN1A and SCN9A antisense RNA 1; plus strand). Cytogenetic location: 2q24.3.
Variant type: single nucleotide variant.
Coding change: c.3038C>T on transcript NM_001365536.1 (MANE Select); coding-DNA position 3038, C replaced by T.
Protein change: p.Ala1013Val; replaces alanine 1013 with valine.
Molecular consequence: missense variant.
Genome position (GRCh38, 1-based): chr2:166,272,712, G>A on the plus strand (C>T on the coding strand, the complement: SCN9A is on the minus strand). VCF-style: chr2-166272712-G-A. GRCh37 (hg19) VCF-style: chr2-167129222-G-A.
Other names: c.3005C>T, p.Ala1002Val (NM_002977.4); short protein forms A1002V, A1013V.
Identifiers: ClinVar variation 566376 (VCV000566376.10), dbSNP rs202153871, ClinGen allele CA59791708.
Genomic context (GRCh38, chr2:166,272,712, plus strand): 5'-TTAGTATTCAGATCTTCTGCTTGTCTTATCTCCCTGGAAATCTTTGGCTTTTTGGAAAAT[G>A]CTTTTAGAATAAATTCACGTAAGGTTTGTTTCACATAATTTATTCCCTTTTTAATTCTAG-3'
Protein context (NP_001352465.1, residues 1003-1023): KQTLREFILK[Ala1013Val]FSKKPKISRE